The following is an entry in ClinVar:

ClinVar aggregate classification (germline): Uncertain significance. Review status: criteria provided, multiple submitters, no conflicts (2 of 4 stars). 2 submissions from 2 submitters: Uncertain significance (2). Last evaluated 2023-10-04.

Conditions:
Retinitis pigmentosa 73 (RP73). Identifiers: Orphanet 791, MedGen C4225287, MONDO:0014687, OMIM 616544.
Mucopolysaccharidosis, MPS-III-C (MPS3C). Also called: SANFILIPPO SYNDROME C; MPS III C; Mucopolysaccharidosis type IIIC (Sanfilippo C); MUCOPOLYSACCHARIDOSIS, TYPE IIIC; mucopolysaccharidosis type 3C; MPS IIIC (Sanfilippo Syndrome Type C). Identifiers: Orphanet 581, Orphanet 79271, MedGen C0086649, MONDO:0009657, OMIM 252930.

Submissions (2):

Labcorp Genetics (formerly Invitae), Labcorp
Classification: Uncertain significance for Retinitis pigmentosa 73; Mucopolysaccharidosis, MPS-III-C. Last evaluated: 2023-10-04. Review status: criteria provided, single submitter. Criteria: Invitae Variant Classification Sherloc (09022015). Collection method: clinical testing. Allele origin: germline.
Comment: This sequence change falls in intron 3 of the HGSNAT gene. It does not directly change the encoded amino acid sequence of the HGSNAT protein. It affects a nucleotide within the consensus splice site. This variant is not present in population databases (gnomAD no frequency). This variant has been observed in individual(s) with retinitis pigmentosa (Invitae). Variants that disrupt the consensus splice site are a relatively common cause of aberrant splicing (PMID: 17576681, 9536098). Algorithms developed to predict the effect of sequence changes on RNA splicing suggest that this variant may disrupt the consensus splice site. In summary, the available evidence is currently insufficient to determine the role of this variant in disease. Therefore, it has been classified as a Variant of Uncertain Significance.

Blueprint Genetics
Classification: Uncertain significance. Last evaluated: 2021-10-05. Review status: criteria provided, single submitter. Criteria: ACMG Guidelines, 2015. Collection method: clinical testing. Allele origin: germline.

Literature cited by the submitters: PubMed 17576681 (cited by Labcorp Genetics (formerly Invitae), Labcorp); PubMed 9536098 (cited by Labcorp Genetics (formerly Invitae), Labcorp).

NM_152419.3(HGSNAT):c.371+5G>T

Gene: HGSNAT (heparan-alpha-glucosaminide N-acetyltransferase; plus strand). Cytogenetic location: 8p11.21.
Variant type: single nucleotide variant.
Coding change: c.371+5G>T on transcript NM_152419.3 (MANE Select); 5 bases into the intron after coding-DNA position 371, G replaced by T.
Molecular consequence: intron variant.
Genome position (GRCh38, 1-based): chr8:43,158,716, G>T. VCF-style: chr8-43158716-G-T. GRCh37 (hg19) VCF-style: chr8-43013859-G-T.
Other names: c.371+5G>T (NM_001363227.2, NM_001363228.2); c.-463+5G>T (NM_001363229.2).
Identifiers: ClinVar variation 2952464 (VCV002952464.4), dbSNP rs1644932736, ClinGen allele CA2740095023.